The following is an entry in ClinVar:

NC_000006.11:g.(?_74175912)_(74183397_?)del

Gene: MTO1 (mitochondrial tRNA translation optimization 1; plus strand). Cytogenetic location: 6q13.
Variant type: Deletion.
Identifiers: ClinVar variation 2425763 (VCV002425763.4).

ClinVar aggregate classification (germline): Pathogenic (1 of 4 stars; one submission).

Conditions:
Mitochondrial hypertrophic cardiomyopathy with lactic acidosis due to MTO1 deficiency. Also called: Combined oxidative phosphorylation deficiency 10; CARDIOMYOPATHY, INFANTILE HYPERTROPHIC MITOCHONDRIAL, AND LACTIC ACIDOSIS. Identifiers: Orphanet 314637, MedGen C4749921, MONDO:0013865, OMIM 614702.

Submission:

Labcorp Genetics (formerly Invitae), Labcorp
Classification: Pathogenic for Mitochondrial hypertrophic cardiomyopathy with lactic acidosis due to MTO1 deficiency. Last evaluated: 2022-06-19. Review status: criteria provided, single submitter. Criteria: Invitae Variant Classification Sherloc (09022015). Collection method: clinical testing. Allele origin: germline.
Comment: For these reasons, this variant has been classified as Pathogenic. This variant has not been reported in the literature in individuals affected with MTO1-related conditions. This variant is a gross deletion of the genomic region encompassing exon(s) 2-4 of the MTO1 gene. This deletion is out-of-frame, and is expected to create a premature termination codon and result in an absent or disrupted protein product. Loss-of-function variants in MTO1 are known to be pathogenic (PMID: 22608499, 25058219).

Literature cited by the submitters: PubMed 22608499; PubMed 25058219.